The following is an entry in ClinVar:

ClinVar aggregate classification (germline): Uncertain significance (1 of 4 stars; one submission).

Submission:

Labcorp Genetics (formerly Invitae), Labcorp
Classification: Uncertain significance. Last evaluated: 2025-03-03. Review status: criteria provided, single submitter. Criteria: Invitae Variant Classification Sherloc (09022015). Collection method: clinical testing. Allele origin: germline.
Comment: This sequence change replaces isoleucine, which is neutral and non-polar, with threonine, which is neutral and polar, at codon 436 of the RNF213 protein (p.Ile436Thr). This variant is not present in population databases (gnomAD no frequency). This variant has not been reported in the literature in individuals affected with RNF213-related conditions. Invitae Evidence Modeling of protein sequence and biophysical properties (such as structural, functional, and spatial information, amino acid conservation, physicochemical variation, residue mobility, and thermodynamic stability) indicates that this missense variant is not expected to disrupt RNF213 protein function with a negative predictive value of 95%. In summary, the available evidence is currently insufficient to determine the role of this variant in disease. Therefore, it has been classified as a Variant of Uncertain Significance.

NM_001256071.3(RNF213):c.1307T>C (p.Ile436Thr)

Gene: RNF213 (ring finger protein 213; plus strand). Cytogenetic location: 17q25.3.
Variant type: single nucleotide variant.
Coding change: c.1307T>C on transcript NM_001256071.3 (MANE Select); coding-DNA position 1307, T replaced by C.
Protein change: p.Ile436Thr; replaces isoleucine 436 with threonine.
Molecular consequence: missense variant.
Genome position (GRCh38, 1-based): chr17:80,291,663, T>C. VCF-style: chr17-80291663-T-C. GRCh37 (hg19) VCF-style: chr17-78265462-T-C.
Other names: c.1454T>C, p.Ile485Thr (NM_001410195.1, NM_020914.5); c.1307T>C, p.Ile436Thr (NM_020954.4); short protein forms I436T, I485T.
Identifiers: ClinVar variation 3634766 (VCV003634766.2).